The following is an entry in ClinVar:

ClinVar aggregate classification (germline): Uncertain significance. Review status: criteria provided, single submitter (1 of 4 stars). 2 submissions from 2 submitters: Uncertain significance (1). 1 of the submissions does not count toward it. Last evaluated 2023-05-02.

Conditions:
Baller-Gerold syndrome (BGS). Also called: CRANIOSYNOSTOSIS WITH RADIAL DEFECTS. Identifiers: Orphanet 1225, MedGen C0265308, MONDO:0009039, OMIM 218600.

Submissions (2):

Labcorp Genetics (formerly Invitae), Labcorp
Classification: Uncertain significance for Baller-Gerold syndrome. Last evaluated: 2023-05-02. Review status: criteria provided, single submitter. Criteria: Invitae Variant Classification Sherloc (09022015). Collection method: clinical testing. Allele origin: germline.
Comment: In summary, the available evidence is currently insufficient to determine the role of this variant in disease. Therefore, it has been classified as a Variant of Uncertain Significance. Experimental studies and prediction algorithms are not available or were not evaluated, and the functional significance of this variant is currently unknown. ClinVar contains an entry for this variant (Variation ID: 1493159). This variant has not been reported in the literature in individuals affected with RECQL4-related conditions. This variant is present in population databases (no rsID available, gnomAD 0.0004%). This sequence change replaces aspartic acid, which is acidic and polar, with isoleucine, which is neutral and non-polar, at codon 424 of the RECQL4 protein (p.Asp424Ile).

Genetic Services Laboratory, University of Chicago
Classification: Uncertain significance. Last evaluated: 2022-07-30. Review status: no assertion criteria provided. Collection method: clinical testing. Allele origin: germline. Affected: no. Not counted in ClinVar's aggregate classification.
Comment: DNA sequence analysis of the RECQL4 gene demonstrated a sequence change, c.1270_1271delinsAT, in exon 7 that results in an amino acid change, p.Asp424Ile. This sequence change does not appear to have been previously described in individuals with RECQL4-related disorders. This sequence change has been described in the gnomAD database in 1 individual (no rs#). The p.Asp424Ile change affects a moderately conserved amino acid residue located in a domain of the RECQL4 protein that is not known to be functional. In-silico pathogenicity prediction tools (SIFT, PolyPhen2, Align GVGD, REVEL) provide contradictory results for the p.Asp424Ile substitution. Due to insufficient evidence and the lack of functional studies, the clinical significance of the p.Asp424Ile change remains unknown at this time. Biallelic pathogenic variant in RECQL4 are associated with Rohtmund-Thomson syndrome [OMIM#268400], Baller-Gerold syndrome [OMIM#218600], and RAPADILINO syndrome [OMIM#266280]. These three syndromes are characterized by an overlapping phenotypic spectrum that includes poikiloderma, sparse hair, short stature, skeletal abnormalities and an increased risk of cancers including myeloid and lymphoid malignancies and osteosarcoma (PMID: 18716613).

NM_004260.4(RECQL4):c.1270_1271delinsAT (p.Asp424Ile)

Gene: RECQL4 (RecQ like helicase 4; minus strand). Cytogenetic location: 8q24.3.
Variant type: Indel.
Coding change: c.1270_1271delinsAT on transcript NM_004260.4 (MANE Select); coding-DNA positions 1270 to 1271, GA replaced by AT.
Protein change: p.Asp424Ile; replaces aspartic acid 424 with isoleucine.
Molecular consequence: missense variant.
Genome position (GRCh38, 1-based): chr8:144,515,445-144,515,446, TC replaced by AT on the plus strand (GA replaced by AT on the coding strand, the reverse complement: RECQL4 is on the minus strand). VCF-style: chr8-144515445-TC-AT. GRCh37 (hg19) VCF-style: chr8-145740829-TC-AT.
Other names: c.1270_1271delinsAT (NM_004260.3); short protein forms D424I.
Identifiers: ClinVar variation 1493159 (VCV001493159.7), dbSNP rs2130708945, ClinGen allele CA2573142924.